The following is an entry in ClinVar:

ClinVar aggregate classification (germline): Uncertain significance. Review status: criteria provided, multiple submitters, no conflicts (2 of 4 stars). 2 submissions from 2 submitters: Uncertain significance (2). Last evaluated 2024-09-23.

Conditions:
Wilson disease (WND). Also called: Wilson's disease. Identifiers: Orphanet 905, MedGen C0019202, MONDO:0010200, OMIM 277900. Disease mechanism: loss of function.

gnomAD v4.1: 6 of 1,613,926 alleles (0.00037%); 1 homozygote.

Submissions (2):

All of Us Research Program, National Institutes of Health
Classification: Uncertain significance for Wilson disease. Last evaluated: 2024-09-23. Review status: criteria provided, single submitter. Criteria: ACMG Guidelines, 2015. Collection method: clinical testing. Allele origin: germline. Inheritance: Autosomal recessive inheritance. Observed: 2 variant alleles, 2 heterozygotes.
Comment: This missense variant replaces tyrosine with cysteine at codon 923 of the ATP7B protein. Computational prediction suggests that this variant may have deleterious impact on protein structure and function. This variant alters an amino acid residue in a transmembrane domain of the ATP7B protein (PMID: 35245129). To our knowledge, functional studies have not been reported for this variant. This variant has not been reported in individuals affected with ATP7B-related disorders in the literature. This variant has not been identified in the general population by the Genome Aggregation Database (gnomAD). The available evidence is insufficient to determine the role of this variant in disease conclusively. Therefore, this variant is classified as a Variant of Uncertain Significance.

This study involves interpretation of variants in research participants for the purpose of population health screening. Participant phenotype was not available at the time of variant classification. Additional details can be found in publication PMID: 35346344, PMCID: PMC8962531

Labcorp Genetics (formerly Invitae), Labcorp
Classification: Uncertain significance for Wilson disease. Last evaluated: 2022-02-01. Review status: criteria provided, single submitter. Criteria: Invitae Variant Classification Sherloc (09022015). Collection method: clinical testing. Allele origin: germline.
Comment: This sequence change replaces tyrosine, which is neutral and polar, with cysteine, which is neutral and slightly polar, at codon 923 of the ATP7B protein (p.Tyr923Cys). This variant is not present in population databases (gnomAD no frequency). This variant has not been reported in the literature in individuals affected with ATP7B-related conditions. Advanced modeling of protein sequence and biophysical properties (such as structural, functional, and spatial information, amino acid conservation, physicochemical variation, residue mobility, and thermodynamic stability) performed at Invitae indicates that this missense variant is expected to disrupt ATP7B protein function. In summary, the available evidence is currently insufficient to determine the role of this variant in disease. Therefore, it has been classified as a Variant of Uncertain Significance.

Literature cited by the submitters: PubMed 35245129 (cited by All of Us Research Program, National Institutes of Health).

NM_000053.4(ATP7B):c.2768A>G (p.Tyr923Cys)

Gene: ATP7B (ATPase copper transporting beta; minus strand). Cytogenetic location: 13q14.3.
Variant type: single nucleotide variant.
Coding change: c.2768A>G on transcript NM_000053.4 (MANE Select); coding-DNA position 2768, A replaced by G.
Protein change: p.Tyr923Cys; replaces tyrosine 923 with cysteine.
Molecular consequence: missense variant. On other transcripts: intron variant (1).
Genome position (GRCh38, 1-based): chr13:51,949,759, T>C on the plus strand (A>G on the coding strand, the complement: ATP7B is on the minus strand). VCF-style: chr13-51949759-T-C. GRCh37 (hg19) VCF-style: chr13-52523895-T-C.
Other names: c.2435A>G, p.Tyr812Cys (NM_001243182.2); c.2534A>G, p.Tyr845Cys (NM_001330578.2, NM_001406527.1, NM_001406528.1 and 2 more transcripts); c.2516A>G, p.Tyr839Cys (NM_001330579.2, NM_001406531.1, NM_001406532.1 and 1 more transcripts); c.2768A>G, p.Tyr923Cys (NM_001406511.1, NM_001406512.1, NM_001406513.1 and 5 more transcripts); c.2735A>G, p.Tyr912Cys (NM_001406514.1); c.2672A>G, p.Tyr891Cys (NM_001406517.1, NM_001406518.1); c.2624A>G, p.Tyr875Cys (NM_001406520.1, NM_001406521.1, NM_001406522.1 and 1 more transcripts); c.2591A>G, p.Tyr864Cys (NM_001406524.1); and 9 more; short protein forms Y493C, Y707C, Y729C, Y812C, Y839C, Y843C, Y923C, Y807C.
Identifiers: ClinVar variation 2143825 (VCV002143825.2), dbSNP rs2547667053, ClinGen allele CA388033794.
Genomic context (GRCh38, chr13:51,949,759, plus strand): 5'-CCGATTACAATCCATACCACCAACGTCAAAGTTGACATGATGATGATAAATGGGACAAAA[T>C]ATCCACTAAACCGGTCAGCCAGCTGCTGAATGGGTGCCTATGAAAATAAAACACCAAGAC-3'
Protein context (NP_000044.2, residues 913-933): IQQLADRFSG[Tyr923Cys]FVPFIIIMST